The following is an entry in ClinVar:

NM_024580.6(EFL1):c.712A>G (p.Ile238Val)

Gene: EFL1 (elongation factor like GTPase 1; minus strand). Cytogenetic location: 15q25.2.
Variant type: single nucleotide variant.
Coding change: c.712A>G on transcript NM_024580.6 (MANE Select); coding-DNA position 712, A replaced by G.
Protein change: p.Ile238Val; replaces isoleucine 238 with valine.
Molecular consequence: missense variant. On other transcripts: 5 prime UTR variant (1), non-coding transcript variant (1).
Genome position (GRCh38, 1-based): chr15:82,238,326, T>C on the plus strand (A>G on the coding strand, the complement: EFL1 is on the minus strand). VCF-style: chr15-82238326-T-C. GRCh37 (hg19) VCF-style: chr15-82530667-T-C.
Other names: p.Ile238Val; c.559A>G, p.Ile187Val (NM_001040610.3); c.-78A>G (NM_001322844.2); c.712A>G, p.Ile238Val (NM_001322845.2); c.712A>G (NM_024580.5); short protein forms I238V, I187V.
Identifiers: ClinVar variation 741508 (VCV000741508.9), dbSNP rs181043208, ClinGen allele CA7698228.

ClinVar aggregate classification (germline): Conflicting classifications of pathogenicity. Review status: criteria provided, conflicting classifications (1 of 4 stars). 4 submissions from 4 submitters: Uncertain significance (2); Likely benign (2). Last evaluated 2026-08-12.

Conditions:
EFL1-related disorder. Also called: EFL1-related condition.
Inborn genetic diseases. Identifiers: MedGen C0950123, MeSH D030342.

Allele frequency attached by ClinVar (database versions not stated): gnomAD exomes 0.00005 and 0.00018; 1000 Genomes Project 30x 0.00016; 1000 Genomes Project 0.00020; ExAC 0.00022; gnomAD 0.00054 and 0.00061; ESP Exome Variant Server 0.00058; TOPMed 0.00070.
gnomAD v4.1: 165 of 1,614,170 alleles (0.01%); highest among the groups gnomAD compares: African/African-American, 0.18%; 1 homozygote.

Submissions (4):

PreventionGenetics, part of Exact Sciences
Classification: Likely benign for EFL1-related condition. Last evaluated: 2026-08-12. Review status: criteria provided, single submitter. Criteria: ACMG Guidelines, 2015. Collection method: clinical testing. Allele origin: germline.
Comment: This variant is classified as likely benign based on ACMG/AMP sequence variant interpretation guidelines (Richards et al. 2015 PMID: 25741868, with internal and published modifications).

Mayo Clinic Laboratories, Mayo Clinic
Classification: Uncertain significance. Last evaluated: 2024-10-09. Review status: criteria provided, single submitter. Criteria: ACMG Guidelines, 2015. Collection method: clinical testing. Allele origin: germline. Observed: 2 variant alleles.
Comment: BP4

Ambry Genetics
Classification: Uncertain significance for Inborn genetic diseases. Last evaluated: 2021-06-21. Review status: criteria provided, single submitter. Criteria: Ambry Variant Classification Scheme 2023. Collection method: clinical testing. Allele origin: germline.

Labcorp Genetics (formerly Invitae), Labcorp
Classification: Likely benign. Last evaluated: 2019-12-31. Review status: criteria provided, single submitter. Criteria: Invitae Variant Classification Sherloc (09022015). Collection method: clinical testing. Allele origin: germline.